The following is an entry in ClinVar:

NM_000071.3(CBS):c.209C>G (p.Pro70Arg)

Gene: CBS (cystathionine beta-synthase; minus strand). Cytogenetic location: 21q22.3.
Variant type: single nucleotide variant.
Coding change: c.209C>G on transcript NM_000071.3 (MANE Select); coding-DNA position 209, C replaced by G.
Protein change: p.Pro70Arg; replaces proline 70 with arginine.
Molecular consequence: missense variant.
Genome position (GRCh38, 1-based): chr21:43,071,985, G>C on the plus strand (C>G on the coding strand, the complement: CBS is on the minus strand). VCF-style: chr21-43071985-G-C. GRCh37 (hg19) VCF-style: chr21-44492095-G-C.
Other names: c.209C>G, p.Pro70Arg (NM_001178008.3, NM_001178009.3, NM_001320298.2); short protein forms P70R.
Identifiers: ClinVar variation 1805728 (VCV001805728.5), dbSNP rs2229413, ClinGen allele CA321103742.
Genomic context (GRCh38, chr21:43,071,985, plus strand): 5'-AACAAACTCCTGCCCTCCAGGTTATGGATCAGCCCTCTTGTGATCAAAAGCAGGACTTAC[G>C]GGGCAGTGTGGTGATGTGGGGACTCGGAGGCAGGCCGGCCCAGCTGCCAGGTGCACCTGC-3'
Protein context (NP_000062.1, residues 60-80): ASESPHHHTA[Pro70Arg]AKSPKILPDI

ClinVar aggregate classification (germline): Uncertain significance. Review status: criteria provided, multiple submitters, no conflicts (2 of 4 stars). 3 submissions from 3 submitters: Uncertain significance (3). Last evaluated 2026-04-01.

Conditions:
Classic homocystinuria. Also called: Homocystinuria due to Cystathionine Beta-Synthase Deficiency; HOMOCYSTINURIA WITH OR WITHOUT RESPONSE TO PYRIDOXINE; Homocystinuria due to CBS deficiency; Cystathionine beta-synthase deficiency; CBS deficiency. Identifiers: Orphanet 394, MedGen C0751202, MONDO:0009352, OMIM 236200.
HYPERHOMOCYSTEINEMIA, THROMBOTIC, CBS-RELATED. Identifiers: MedGen C3150344, OMIM 236200.
Familial thoracic aortic aneurysm and aortic dissection (TAAD). Also called: Thoracic aortic aneurysms and dissections. Identifiers: Orphanet 91387, MedGen C4707243, MONDO:0019625.

Submissions (3):

Ambry Genetics
Classification: Uncertain significance for Familial thoracic aortic aneurysm and aortic dissection. Last evaluated: 2026-04-01. Review status: criteria provided, single submitter. Criteria: Ambry Variant Classification Scheme 2023. Collection method: clinical testing. Allele origin: germline.
Comment: The p.P70R variant (also known as c.209C>G), located in coding exon 1 of the CBS gene, results from a C to G substitution at nucleotide position 209. The proline at codon 70 is replaced by arginine, an amino acid with dissimilar properties. This amino acid position is poorly conserved in available vertebrate species. In addition, this alteration is predicted to be tolerated by in silico analysis. Based on the available evidence, the clinical significance of this variant remains unclear.

Victorian Clinical Genetics Services, Murdoch Childrens Research Institute
Classification: Uncertain significance for Classic homocystinuria. Last evaluated: 2024-10-10. Review status: criteria provided, single submitter. Criteria: ACMG Guidelines, 2015. Collection method: clinical testing. Allele origin: germline. Inheritance: Autosomal recessive inheritance.
Comment: Based on the classification scheme VCGS_Germline_v1.1.1, this variant is classified as 3B-VUS. Following criteria are met: 0102 - Loss-of-function is a known mechanism of disease for this gene. (N) 0106 - This gene is known to be associated with autosomal recessive disease. (N) 0200 - Variant is predicted to result in a missense amino acid change from proline to arginine (exon 3). (N) 0251 - Variant is heterozygous. (N) 0304 - Variant is present in gnomAD <0.01 for a recessive condition (2 heterozygotes, 0 homozygotes). (P) 0502 - Missense variant with conflicting in-silico predictions and/or uninformative conservation. (N) 0604 - Variant is not located in an established domain, motif, hotspot or informative constraint region. (N) 0708 - Comparable variants have conflicting previous evidence for pathogenicity. An alternate change to leucine at the same residue has previously been reported as both likely benign and as a VUS (ClinVar). (N) 0807 - Variant has not previously been reported in a relevant clinical context. (N) 0905 - No segregation evidence has been identified for this variant. (N) 1007 - No published functional evidence has been identified for this variant. (N) 1208 - Inheritance information for this variant is not currently available. (N) Legend: (P) - Pathogenic, (N) - Neutral, (B) - Benign

Labcorp Genetics (formerly Invitae), Labcorp
Classification: Uncertain significance for HYPERHOMOCYSTEINEMIA, THROMBOTIC, CBS-RELATED. Last evaluated: 2022-10-28. Review status: criteria provided, single submitter. Criteria: Invitae Variant Classification Sherloc (09022015). Collection method: clinical testing. Allele origin: germline.
Comment: This sequence change replaces proline, which is neutral and non-polar, with arginine, which is basic and polar, at codon 70 of the CBS protein (p.Pro70Arg). This variant is present in population databases (rs2229413, gnomAD 0.01%). This variant has not been reported in the literature in individuals affected with CBS-related conditions. Algorithms developed to predict the effect of missense changes on protein structure and function (SIFT, PolyPhen-2, Align-GVGD) all suggest that this variant is likely to be tolerated. In summary, the available evidence is currently insufficient to determine the role of this variant in disease. Therefore, it has been classified as a Variant of Uncertain Significance.